The following is an entry in ClinVar:

NM_175914.5(HNF4A):c.1052T>G (p.Met351Arg)

Gene: HNF4A (hepatocyte nuclear factor 4 alpha; plus strand). Cytogenetic location: 20q13.12.
Variant type: single nucleotide variant.
Coding change: c.1052T>G on transcript NM_175914.5 (MANE Select); coding-DNA position 1052, T replaced by G.
Protein change: p.Met351Arg; replaces methionine 351 with arginine.
Molecular consequence: missense variant.
Genome position (GRCh38, 1-based): chr20:44,424,243, T>G. VCF-style: chr20-44424243-T-G. GRCh37 (hg19) VCF-style: chr20-43052883-T-G.
Other names: M364R; NM_175914.5(HNF4A):c.1052T>G; p.Met351Arg; c.1118T>G, p.Met373Arg (NM_000457.6, NM_178849.3, NM_178850.3); c.1052T>G, p.Met351Arg (NM_001030003.3, NM_001030004.3); c.1097T>G, p.Met366Arg (NM_001258355.2); c.1043T>G, p.Met348Arg (NM_001287182.2, NM_001287183.2, NM_001287184.2); short protein forms M351R, M366R, M373R, M348R.
Identifiers: ClinVar variation 9216 (VCV000009216.3), dbSNP rs137853338, ClinGen allele CA120226.

ClinVar aggregate classification (germline): Likely pathogenic. Review status: reviewed by expert panel (3 of 4 stars). 2 submissions from 2 submitters: Likely pathogenic (1). 1 of the submissions does not count toward it. Last evaluated 2024-11-21.

Conditions:
Monogenic diabetes. Identifiers: Orphanet 183625, MedGen C3888631, MONDO:0015967.
Maturity-onset diabetes of the young type 1. Also called: MILD JUVENILE DIABETES MELLITUS; MODY, type I; HNF4A-Related Maturity-Onset Diabetes of the Young Type 1; MODY type 1; Diabetes mellitus MODY type 1; MODY HNF4A related. Identifiers: Orphanet 552, MedGen C1852093, MONDO:0007452, OMIM 125850. Disease mechanism: loss of function.

Submissions (2):

ClinGen Monogenic Diabetes Variant Curation Expert Panel
Classification: Likely pathogenic for Monogenic diabetes. Last evaluated: 2024-11-21. Review status: reviewed by expert panel. Criteria: ClinGen Diabetes ACMG Specifications HNF4A V2.0.0. Collection method: curation. Allele origin: germline. Inheritance: Autosomal dominant inheritance.
Comment: The 1052T>G variant in the hepatocyte nuclear factor 4 alpha gene, HNF4A, causes an amino acid change of methionine to arginine at codon 351 (p.(Met351Arg)) of NM_175914.5. This variant is absent from gnomAD v2.1.1 (PM2_Supporting). This variant is predicted to be deleterious by computational evidence, with a REVEL score of 0.903, which is greater than the MDEP VCEP threshold of 0.70 (PP3). This variant segregated with diabetes, with four informative meioses in one family (PP1_Moderate; PMID: 17407387). PP4_moderate was met even without MPC or ABCC8 testing because multiple family members are diazoxide-responsive and would have to be a unique ABCC8 situation. (PP4_Moderate; PMID: 17407387). Functional studies demonstrated the p.Met351Arg protein has transactivation below 40% of wildtype but retains the same DNA binding activity as WT HNF4A, indicating that this variant impacts protein function (PMID: 21323639). In summary, c.1052T>G meets the criteria to be classified as likely pathogenic for monogenic diabetes. ACMG/AMP criteria applied, as specified by the ClinGen MDEP (specification version 2.0.0, approved 10/11/2023): PS3_supporting, PP1_moderate, PP4_moderate, PM2_supporting, PP3.

OMIM
Classification: Pathogenic for MATURITY-ONSET DIABETES OF THE YOUNG, TYPE 1. Last evaluated: 2007-04-01. Review status: no assertion criteria provided. Collection method: literature only. Allele origin: germline. Not counted in ClinVar's aggregate classification.

Literature cited by the submitters: PubMed 17407387 (cited by OMIM).